The following is an entry in ClinVar:

ClinVar aggregate classification (germline): Uncertain significance (1 of 4 stars; one submission).

Submission:

GeneDx
Classification: Uncertain significance. Last evaluated: 2023-05-01. Review status: criteria provided, single submitter. Criteria: GeneDx Variant Classification Process June 2021. Collection method: clinical testing. Allele origin: germline. Affected: yes.
Comment: Not observed at significant frequency in large population cohorts (gnomAD); Missense variants in this gene are often considered pathogenic (HGMD); In silico analysis supports that this missense variant does not alter protein structure/function; Has not been previously published as pathogenic or benign to our knowledge

NM_001184880.2(PCDH19):c.2867A>G (p.His956Arg)

Gene: PCDH19 (protocadherin 19; minus strand). Cytogenetic location: Xq22.1.
Variant type: single nucleotide variant.
Coding change: c.2867A>G on transcript NM_001184880.2 (MANE Select); coding-DNA position 2867, A replaced by G.
Protein change: p.His956Arg; replaces histidine 956 with arginine.
Molecular consequence: missense variant.
Genome position (GRCh38, 1-based): chrX:100,296,857, T>C on the plus strand (A>G on the coding strand, the complement: PCDH19 is on the minus strand). VCF-style: chrX-100296857-T-C. GRCh37 (hg19) VCF-style: chrX-99551855-T-C.
Other names: c.2726A>G, p.His909Arg (NM_001105243.2); c.2723A>G, p.His908Arg (NM_020766.3); short protein forms H908R, H909R, H956R.
Identifiers: ClinVar variation 2663429 (VCV002663429.1), dbSNP rs2520449974, ClinGen allele CA414000960.